The following is an entry in ClinVar:

NM_003105.6(SORL1):c.6021A>C (p.Gln2007His)

Gene: SORL1 (sortilin related receptor 1; plus strand). Cytogenetic location: 11q24.1.
Variant type: single nucleotide variant.
Coding change: c.6021A>C on transcript NM_003105.6 (MANE Select); coding-DNA position 6021, A replaced by C.
Protein change: p.Gln2007His; replaces glutamine 2007 with histidine.
Molecular consequence: missense variant.
Genome position (GRCh38, 1-based): chr11:121,621,195, A>C. VCF-style: chr11-121621195-A-C. GRCh37 (hg19) VCF-style: chr11-121491904-A-C.
Other names: short protein forms Q2007H.
Identifiers: ClinVar variation 1382724 (VCV001382724.6), dbSNP rs141089496, ClinGen allele CA383044198.
Genomic context (GRCh38, chr11:121,621,195, plus strand): 5'-CACTGTGGAATACACCCTTAACAAGTTGGAGCCTGGCGGGAAATACCACATCATTGTCCA[A>C]CTGGGGAACATGAGCAAAGATTCCAGCATAAAAATTACCACAGGTAAGCAGGAGAGAGGT-3'
Protein context (NP_003096.2, residues 1997-2017): EPGGKYHIIV[Gln2007His]LGNMSKDSSI

ClinVar aggregate classification (germline): Uncertain significance (1 of 4 stars; one submission).

gnomAD v4.1: 1 of 1,614,208 alleles (0.000062%); highest among the groups gnomAD compares: Non-Finnish European, 0.000085%; no homozygotes.

Submission:

Labcorp Genetics (formerly Invitae), Labcorp
Classification: Uncertain significance. Last evaluated: 2021-07-31. Review status: criteria provided, single submitter. Criteria: Invitae Variant Classification Sherloc (09022015). Collection method: clinical testing. Allele origin: germline.
Comment: In summary, the available evidence is currently insufficient to determine the role of this variant in disease. Therefore, it has been classified as a Variant of Uncertain Significance. Algorithms developed to predict the effect of missense changes on protein structure and function are either unavailable or do not agree on the potential impact of this missense change (SIFT: "Deleterious"; PolyPhen-2: "Probably Damaging"; Align-GVGD: "Class C0"). This variant has not been reported in the literature in individuals affected with SORL1-related conditions. This variant is not present in population databases (ExAC no frequency). This sequence change replaces glutamine with histidine at codon 2007 of the SORL1 protein (p.Gln2007His). The glutamine residue is moderately conserved and there is a small physicochemical difference between glutamine and histidine.